The following is an entry in ClinVar:

ClinVar aggregate classification (germline): Conflicting classifications of pathogenicity. Review status: criteria provided, conflicting classifications (1 of 4 stars). 2 submissions from 2 submitters: Likely pathogenic (1); Uncertain significance (1). Last evaluated 2020-10-02.

Conditions:
CTCF-related neurodevelopmental disorder. Also called: Intellectual disability-feeding difficulties-developmental delay-microcephaly syndrome; INTELLECTUAL DEVELOPMENTAL DISORDER, AUTOSOMAL DOMINANT 21. Identifiers: Orphanet 363611, MedGen C3809686, MONDO:0014213, OMIM 615502.

Submissions (2):

Women's Health and Genetics/Laboratory Corporation of America, LabCorp
Classification: Uncertain significance. Last evaluated: 2020-10-02. Review status: criteria provided, single submitter. Criteria: LabCorp Variant Classification Summary - May 2015. Collection method: clinical testing. Allele origin: germline.
Comment: Variant summary: CTCF c.1079G>T (p.Ser360Ile) results in a non-conservative amino acid change located in the Zinc finger C2H2-type domain (IPR013087) of the encoded protein sequence. Four of five in-silico tools predict a damaging effect of the variant on protein function. The variant was absent in 251476 control chromosomes. The available data on variant occurrences in the general population are insufficient to allow any conclusion about variant significance. To our knowledge, no occurrence of c.1079G>T in individuals affected with Mental retardation, autosomal dominant 21 and no experimental evidence demonstrating its impact on protein function have been reported in the literature. One ClinVar submitter (evaluation after 2014) cited the variant as Likely Pathogenic, reporting a de-novo occurrence in an individual affected with mental retardation, autosomal dominant 21, however no additional supporting evidence is provided. Based on the evidence outlined above, the variant was classified as uncertain significance.

Institute of Human Genetics Munich, TUM University Hospital
Classification: Likely pathogenic for CTCF-related neurodevelopmental disorder. Last evaluated: 2019-06-11. Review status: criteria provided, single submitter. Criteria: Classification criteria August 2017. Collection method: clinical testing. Allele origin: de novo. Inheritance: Autosomal dominant inheritance. Affected: yes. Observed: 1 heterozygote.

NM_006565.4(CTCF):c.1079G>T (p.Ser360Ile)

Gene: CTCF (CCCTC-binding factor; plus strand). Cytogenetic location: 16q22.1.
Variant type: single nucleotide variant.
Coding change: c.1079G>T on transcript NM_006565.4 (MANE Select); coding-DNA position 1079, G replaced by T.
Protein change: p.Ser360Ile; replaces serine 360 with isoleucine.
Molecular consequence: missense variant.
Genome position (GRCh38, 1-based): chr16:67,616,871, G>T. VCF-style: chr16-67616871-G-T. GRCh37 (hg19) VCF-style: chr16-67650774-G-T.
Other names: c.95G>T, p.Ser32Ile (NM_001191022.2); c.1079G>T, p.Ser360Ile (NM_001363916.2); short protein forms S32I, S360I.
Identifiers: ClinVar variation 807586 (VCV000807586.4), dbSNP rs1597718106, ClinGen allele CA396312716.